The following is an entry in ClinVar:

ClinVar aggregate classification (germline): Benign/Likely benign. Review status: criteria provided, multiple submitters, no conflicts (2 of 4 stars). 8 submissions from 8 submitters: Benign (6); Likely benign (2). Last evaluated 2026-01-19.

Conditions:
Spinocerebellar ataxia type 13 (SCA13). Also called: Spinocerebellar Ataxia Type13. Identifiers: Orphanet 98768, MedGen C1854488, MONDO:0011529, OMIM 605259.

Allele frequency attached by ClinVar (database versions not stated): ESP Exome Variant Server 0.00469; gnomAD 0.00867 and 0.01200; gnomAD exomes 0.00916 and 0.02308; TOPMed 0.01121; ExAC 0.02429; 1000 Genomes Project 30x 0.04513; 1000 Genomes Project 0.04712.
gnomAD v4.1: 15,767 of 1,613,132 alleles (0.98%); highest among the groups gnomAD compares: East Asian, 13%; 686 homozygotes.

Submissions (8):

Labcorp Genetics (formerly Invitae), Labcorp
Classification: Benign. Last evaluated: 2026-01-19. Review status: criteria provided, single submitter. Criteria: Invitae Variant Classification Sherloc (09022015). Collection method: clinical testing. Allele origin: germline.

Athena Diagnostics
Classification: Benign. Last evaluated: 2025-02-05. Review status: criteria provided, single submitter. Criteria: Athena Diagnostics Criteria. Collection method: clinical testing. Allele origin: unknown.
Comment: The frequency of this variant in the general population is higher than would generally be expected for pathogenic variants in this gene.

Mayo Clinic Laboratories, Mayo Clinic
Classification: Benign. Last evaluated: 2022-03-23. Review status: criteria provided, single submitter. Criteria: ACMG Guidelines, 2015. Collection method: clinical testing. Allele origin: germline. Observed: 6 variant alleles.

GeneDx
Classification: Benign. Last evaluated: 2021-05-05. Review status: criteria provided, single submitter. Criteria: GeneDx Variant Classification Process June 2021. Collection method: clinical testing. Allele origin: germline. Affected: yes.

Eurofins Ntd Llc (ga)
Classification: Benign. Last evaluated: 2016-06-15. Review status: criteria provided, single submitter. Criteria: EGL Classification Definitions 2015. Collection method: clinical testing. Allele origin: germline. Observed: 1 variant allele, 1 heterozygote.

Clinical Genetics DNA and cytogenetics Diagnostics Lab, Erasmus MC, Erasmus Medical Center
Classification: Likely benign for Spinocerebellar ataxia type 13. Last evaluated: 2015-09-21. Review status: criteria provided, single submitter. Criteria: ACGS Guidelines, 2013. Collection method: clinical testing. Allele origin: germline. Affected: yes. Study: VKGL Data-share Consensus.

Genome Diagnostics Laboratory, University Medical Center Utrecht
Classification: Benign for Spinocerebellar ataxia type 13. Last evaluated: 2014-10-10. Review status: criteria provided, single submitter. Criteria: ACGS Guidelines, 2013. Collection method: clinical testing. Allele origin: germline. Affected: yes. Study: VKGL Data-share Consensus.

Breakthrough Genomics
Classification: Likely benign. Review status: criteria provided, single submitter. Criteria: ACMG Guidelines, 2015. Collection method: not provided. Allele origin: germline. Inheritance: Autosomal dominant inheritance. Affected: yes.

Literature cited by the submitters: PubMed 25756792 (cited by Athena Diagnostics).

NM_004977.3(KCNC3):c.1641G>A (p.Ser547=)

Gene: KCNC3 (potassium voltage-gated channel subfamily C member 3; minus strand). Cytogenetic location: 19q13.33.
Variant type: single nucleotide variant.
Coding change: c.1641G>A on transcript NM_004977.3 (MANE Select); coding-DNA position 1641, G replaced by A.
Protein change: p.Ser547=; no amino-acid change (serine 547 retained).
Molecular consequence: synonymous variant.
Genome position (GRCh38, 1-based): chr19:50,323,312, C>T on the plus strand (G>A on the coding strand, the complement: KCNC3 is on the minus strand). VCF-style: chr19-50323312-C-T. GRCh37 (hg19) VCF-style: chr19-50826569-C-T.
Other names: p.Ser547=; c.1413G>A, p.Ser471= (NM_001372305.1).
Identifiers: ClinVar variation 288175 (VCV000288175.17), dbSNP rs2301357, ClinGen allele CA9594203.